The following is an entry in ClinVar:

ClinVar aggregate classification (germline): Conflicting classifications of pathogenicity. Review status: criteria provided, conflicting classifications (1 of 4 stars). 5 submissions from 4 submitters: Uncertain significance (4); Likely benign (1). Last evaluated 2024-12-10.

Conditions:
Martsolf syndrome 1. Identifiers: Orphanet 1387, MedGen C5542298, MONDO:8000008, OMIM 212720.
Warburg micro syndrome 2 (WARBM2). Also called: MICRO SYNDROME 2. Identifiers: Orphanet 2510, MedGen C3280214, MONDO:0013641, OMIM 614225.
Martsolf syndrome (MARTS). Also called: Congenital cataract with intellectual disability and hypogonadotropic hypogonadism syndrome. Identifiers: Orphanet 1387, MedGen C0796037, MONDO:0023910.
RAB3GAP2-related disorder. Also called: RAB3GAP2-related condition; RAB3GAP2-related disorders.

Allele frequency attached by ClinVar (database versions not stated): gnomAD 0.00001; gnomAD exomes 0.00002 and 0.00015; TOPMed 0.00006; ExAC 0.00008.
gnomAD v4.1: 32 of 1,613,836 alleles (0.002%); highest among the groups gnomAD compares: East Asian, 0.069%; no homozygotes.

Submissions (5):

PreventionGenetics, part of Exact Sciences
Classification: Likely benign for RAB3GAP2-related condition. Last evaluated: 2024-12-10. Review status: criteria provided, single submitter. Criteria: ACMG Guidelines, 2015. Collection method: clinical testing. Allele origin: germline.
Comment: This variant is classified as likely benign based on ACMG/AMP sequence variant interpretation guidelines (Richards et al. 2015 PMID: 25741868, with internal and published modifications).

Women's Health and Genetics/Laboratory Corporation of America, LabCorp
Classification: Uncertain significance. Last evaluated: 2024-02-16. Review status: criteria provided, single submitter. Criteria: LabCorp Variant Classification Summary - May 2015. Collection method: clinical testing. Allele origin: germline.
Comment: Variant summary: RAB3GAP2 c.1205C>G (p.Thr402Arg) results in a non-conservative amino acid change located in the Rab3-GAP regulatory subunit, N-terminal (IPR032839) of the encoded protein sequence. Five of five in-silico tools predict a damaging effect of the variant on protein function. The variant allele was found at a frequency of 0.00015 in 250974 control chromosomes. To our knowledge, no occurrence of c.1205C>G in individuals affected with RAB3GAP2-Related Disorders and no experimental evidence demonstrating its impact on protein function have been reported. ClinVar contains an entry for this variant (Variation ID: 295661). Based on the evidence outlined above, the variant was classified as uncertain significance.

Illumina Laboratory Services, Illumina
Classification: Uncertain significance for Warburg micro syndrome 2. Last evaluated: 2018-01-12. Review status: criteria provided, single submitter. Criteria: ICSL Variant Classification Criteria 13 December 2019. Collection method: clinical testing. Allele origin: germline.

Illumina Laboratory Services, Illumina
Classification: Uncertain significance for Martsolf syndrome 1. Last evaluated: 2018-01-12. Review status: criteria provided, single submitter. Criteria: ICSL Variant Classification Criteria 13 December 2019. Collection method: clinical testing. Allele origin: germline.

Juno Genomics, Hangzhou Juno Genomics, Inc
Classification: Uncertain significance for Martsolf syndrome 1; Warburg micro syndrome 2. Review status: criteria provided, single submitter. Criteria: ACMG Guidelines, 2015. Collection method: clinical testing. Allele origin: germline.
Comment: Absent from controls (or at extremely low frequency if recessive) in Genome Aggregation Database.;Multiple lines of computational evidence support a deleterious effect on the gene or gene product.

NM_012414.4(RAB3GAP2):c.1205C>G (p.Thr402Arg)

Gene: RAB3GAP2 (RAB3 GTPase activating non-catalytic protein subunit 2; minus strand). Cytogenetic location: 1q41.
Variant type: single nucleotide variant.
Coding change: c.1205C>G on transcript NM_012414.4 (MANE Select); coding-DNA position 1205, C replaced by G.
Protein change: p.Thr402Arg; replaces threonine 402 with arginine.
Molecular consequence: missense variant.
Genome position (GRCh38, 1-based): chr1:220,193,305, G>C on the plus strand (C>G on the coding strand, the complement: RAB3GAP2 is on the minus strand). VCF-style: chr1-220193305-G-C. GRCh37 (hg19) VCF-style: chr1-220366647-G-C.
Other names: short protein forms T402R.
Identifiers: ClinVar variation 295661 (VCV000295661.12), dbSNP rs763764406, ClinGen allele CA1402745.
Genomic context (GRCh38, chr1:220,193,305, plus strand): 5'-CACATGCGTATTGCAATTCCTCTAGCTACATCCAATAAAATAACTCTGCCGAAATCATCT[G>C]TTACTGCTGCCAGTGTGTTACATGGAGACAGACATATGCTTTCACCATGGCGTCTAGAAT-3'
Protein context (NP_036546.2, residues 392-412): LSPCNTLAAV[Thr402Arg]DDFGRVILLD